The following is an entry in ClinVar:

ClinVar aggregate classification (germline): Uncertain significance (1 of 4 stars; one submission).

Conditions:
Atrioventricular septal defect 4 (AVSD4). Identifiers: MedGen C3280781, MONDO:0013747, OMIM 614430.

gnomAD v4.1: 2 of 1,364,802 alleles (0.00015%); highest among the groups gnomAD compares: African/African-American, 0.0031%; no homozygotes.

Submission:

Labcorp Genetics (formerly Invitae), Labcorp
Classification: Uncertain significance for Atrioventricular septal defect 4. Last evaluated: 2024-11-05. Review status: criteria provided, single submitter. Criteria: Invitae Variant Classification Sherloc (09022015). Collection method: clinical testing. Allele origin: germline.
Comment: This sequence change replaces glutamic acid, which is acidic and polar, with aspartic acid, which is acidic and polar, at codon 147 of the GATA4 protein (p.Glu147Asp). This variant is not present in population databases (gnomAD no frequency). This variant has not been reported in the literature in individuals affected with GATA4-related conditions. Invitae Evidence Modeling of protein sequence and biophysical properties (such as structural, functional, and spatial information, amino acid conservation, physicochemical variation, residue mobility, and thermodynamic stability) indicates that this missense variant is not expected to disrupt GATA4 protein function with a negative predictive value of 95%. In summary, the available evidence is currently insufficient to determine the role of this variant in disease. Therefore, it has been classified as a Variant of Uncertain Significance.

NM_001308093.3(GATA4):c.441G>C (p.Glu147Asp)

Gene: GATA4 (GATA binding protein 4). Cytogenetic location: 8p23.1.
Variant type: single nucleotide variant.
Coding change: c.441G>C on transcript NM_001308093.3 (MANE Select); coding-DNA position 441, G replaced by C.
Protein change: p.Glu147Asp; replaces glutamic acid 147 with aspartic acid.
Molecular consequence: missense variant. On other transcripts: intron variant (3).
Genome position (GRCh38, 1-based): chr8:11,708,753, G>C. VCF-style: chr8-11708753-G-C. GRCh37 (hg19) VCF-style: chr8-11566262-G-C.
Other names: c.441G>C, p.Glu147Asp (NM_002052.5); c.-6+7975G>C (NM_001308094.2); c.-3+739G>C (NM_001374274.1); c.-3+4449G>C (NM_001374273.1); short protein forms E147D.
Identifiers: ClinVar variation 3714600 (VCV003714600.2).